The following is an entry in ClinVar:

ClinVar aggregate classification (germline): Conflicting classifications of pathogenicity. Review status: criteria provided, conflicting classifications (1 of 4 stars). 4 submissions from 4 submitters: Uncertain significance (3); Likely benign (1). Last evaluated 2023-03-23.

Conditions:
Hereditary breast ovarian cancer syndrome. Also called: Hereditary breast and ovarian cancer syndrome (HBOC); Hereditary breast and ovarian cancer syndrome; Breast and ovarian cancer; BRCA1- and BRCA2-Associated Hereditary Breast and Ovarian Cancer; Hereditary breast and ovarian cancer; Hereditary breast and/or ovarian cancer syndrome. Identifiers: Orphanet 145, MedGen C0677776, MeSH D061325, MONDO:0003582. Disease mechanism: loss of function.
Hereditary cancer-predisposing syndrome. Also called: Neoplastic Syndromes, Hereditary; Hereditary Cancer Syndrome; Hereditary neoplastic syndrome; Tumor predisposition. Identifiers: Orphanet 140162, MedGen C0027672, MeSH D009386, MONDO:0015356.

Submissions (4):

University of Washington Department of Laboratory Medicine, University of Washington
Classification: Likely benign for Hereditary cancer-predisposing syndrome. Last evaluated: 2023-03-23. Review status: criteria provided, single submitter. Criteria: Dines et al. (Genet Med. 2020). Collection method: curation. Allele origin: germline.
Comment: Missense variant in a coldspot region where missense variants are very unlikely to be pathogenic (PMID:31911673).

BRCA2 exon 11 coldspot. Reclassification based on statistical prior probability.

Labcorp Genetics (formerly Invitae), Labcorp
Classification: Uncertain significance for Hereditary breast ovarian cancer syndrome. Last evaluated: 2022-08-27. Review status: criteria provided, single submitter. Criteria: Invitae Variant Classification Sherloc (09022015). Collection method: clinical testing. Allele origin: germline.
Comment: In summary, the available evidence is currently insufficient to determine the role of this variant in disease. Therefore, it has been classified as a Variant of Uncertain Significance. Advanced modeling of protein sequence and biophysical properties (such as structural, functional, and spatial information, amino acid conservation, physicochemical variation, residue mobility, and thermodynamic stability) performed at Invitae indicates that this missense variant is not expected to disrupt BRCA2 protein function. ClinVar contains an entry for this variant (Variation ID: 479330). This variant has not been reported in the literature in individuals affected with BRCA2-related conditions. This variant is not present in population databases (gnomAD no frequency). This sequence change replaces asparagine, which is neutral and polar, with aspartic acid, which is acidic and polar, at codon 1877 of the BRCA2 protein (p.Asn1877Asp).

GeneDx
Classification: Uncertain significance. Last evaluated: 2020-07-01. Review status: criteria provided, single submitter. Criteria: GeneDx Variant Classification Process June 2021. Collection method: clinical testing. Allele origin: germline. Affected: yes.
Comment: Not observed in large population cohorts (Lek et al., 2016); In silico analysis supports that this missense variant has a deleterious effect on protein structure/function; Has not been previously published as pathogenic or benign to our knowledge

Ambry Genetics
Classification: Uncertain significance for Hereditary cancer-predisposing syndrome. Last evaluated: 2016-06-23. Review status: criteria provided, single submitter. Criteria: Ambry Variant Classification Scheme 2023. Collection method: clinical testing. Allele origin: germline.
Comment: The p.N1877D variant (also known as c.5629A>G), located in coding exon 10 of the BRCA2 gene, results from an A to G substitution at nucleotide position 5629. The asparagine at codon 1877 is replaced by aspartic acid, an amino acid with highly similar properties. This variant was not reported in population based cohorts in the following databases: Database of Single Nucleotide Polymorphisms (dbSNP), NHLBI Exome Sequencing Project (ESP), and 1000 Genomes Project. In the ESP, this variant was not observed in 6503 samples (13006 alleles) with coverage at this position. To date, this alteration has been detected with an allele frequency of approximately 0.0003% (greater than 300000 alleles tested) in our clinical cohort. This amino acid position is not well conserved in available vertebrate species. In addition, this alteration is predicted to be tolerated by in silico analysis. Since supporting evidence is limited at this time, the clinical significance of this alteration remains unclear.

NM_000059.4(BRCA2):c.5629A>G (p.Asn1877Asp)

Gene: BRCA2 (BRCA2 DNA repair associated; plus strand). Cytogenetic location: 13q13.1.
Variant type: single nucleotide variant.
Coding change: c.5629A>G on transcript NM_000059.4 (MANE Select); coding-DNA position 5629, A replaced by G.
Protein change: p.Asn1877Asp; replaces asparagine 1877 with aspartic acid.
Molecular consequence: missense variant.
Genome position (GRCh38, 1-based): chr13:32,339,984, A>G. VCF-style: chr13-32339984-A-G. GRCh37 (hg19) VCF-style: chr13-32914121-A-G.
Other names: short protein forms N1877D.
Identifiers: ClinVar variation 479330 (VCV000479330.14), dbSNP rs1555284317, ClinGen allele CA387786121.